The following is an entry in ClinVar:

ClinVar aggregate classification (germline): Uncertain significance (1 of 4 stars; one submission).

Submission:

GeneDx
Classification: Uncertain significance. Last evaluated: 2024-03-26. Review status: criteria provided, single submitter. Criteria: GeneDx Variant Classification Process June 2021. Collection method: clinical testing. Allele origin: germline. Affected: yes.
Comment: Not observed at significant frequency in large population cohorts (gnomAD); In silico analysis supports that this missense variant does not alter protein structure/function; Has not been previously published as pathogenic or benign to our knowledge

NM_006231.4(POLE):c.5892G>C (p.Glu1964Asp)

Gene: POLE (DNA polymerase epsilon, catalytic subunit; minus strand). Cytogenetic location: 12q24.33.
Variant type: single nucleotide variant.
Coding change: c.5892G>C on transcript NM_006231.4 (MANE Select); coding-DNA position 5892, G replaced by C.
Protein change: p.Glu1964Asp; replaces glutamic acid 1964 with aspartic acid.
Molecular consequence: missense variant.
Genome position (GRCh38, 1-based): chr12:132,634,298, C>G on the plus strand (G>C on the coding strand, the complement: POLE is on the minus strand). VCF-style: chr12-132634298-C-G. GRCh37 (hg19) VCF-style: chr12-133210884-C-G.
Other names: short protein forms E1964D.
Identifiers: ClinVar variation 3371431 (VCV003371431.1).